The following is an entry in ClinVar:

NM_015909.4(NBAS):c.1948C>T (p.Pro650Ser)

Gene: NBAS (NBAS subunit of NRZ tethering complex; minus strand). Cytogenetic location: 2p24.3.
Variant type: single nucleotide variant.
Coding change: c.1948C>T on transcript NM_015909.4 (MANE Select); coding-DNA position 1948, C replaced by T.
Protein change: p.Pro650Ser; replaces proline 650 with serine.
Molecular consequence: missense variant. On other transcripts: non-coding transcript variant (1).
Genome position (GRCh38, 1-based): chr2:15,467,734, G>A on the plus strand (C>T on the coding strand, the complement: NBAS is on the minus strand). VCF-style: chr2-15467734-G-A. GRCh37 (hg19) VCF-style: chr2-15607858-G-A.
Other names: short protein forms P650S.
Identifiers: ClinVar variation 387317 (VCV000387317.10), dbSNP rs558233705, ClinGen allele CA1536509.

ClinVar aggregate classification (germline): Benign/Likely benign. Review status: criteria provided, multiple submitters, no conflicts (2 of 4 stars). 2 submissions from 2 submitters: Benign (1); Likely benign (1). Last evaluated 2026-02-02.

Allele frequency attached by ClinVar (database versions not stated): gnomAD 0.00001 and 0.00042; gnomAD exomes 0.00157; ExAC 0.00189; 1000 Genomes Project 0.00280; 1000 Genomes Project 30x 0.00297.
gnomAD v4.1: 1,170 of 1,607,312 alleles (0.073%); highest among the groups gnomAD compares: South Asian, 1.2%; 16 homozygotes.

Submissions (2):

Labcorp Genetics (formerly Invitae), Labcorp
Classification: Benign. Last evaluated: 2026-02-02. Review status: criteria provided, single submitter. Criteria: Invitae Variant Classification Sherloc (09022015). Collection method: clinical testing. Allele origin: germline.

GeneDx
Classification: Likely benign. Last evaluated: 2016-06-23. Review status: criteria provided, single submitter. Criteria: GeneDx Variant Classification (06012015). Collection method: clinical testing. Allele origin: germline. Affected: yes.
Comment: This variant is considered likely benign or benign based on one or more of the following criteria: it is a conservative change, it occurs at a poorly conserved position in the protein, it is predicted to be benign by multiple in silico algorithms, and/or has population frequency not consistent with disease.